The following is an entry in ClinVar:

ClinVar aggregate classification (germline): Likely benign. Review status: criteria provided, multiple submitters, no conflicts (2 of 4 stars). 2 submissions from 2 submitters: Likely benign (2). Last evaluated 2025-12-21.

Conditions:
Von Hippel-Lindau syndrome (VHLS). Also called: von Hippel–Lindau syndrome; VHL syndrome; Von Hippel-Lindau. Identifiers: Orphanet 892, MedGen C0019562, MONDO:0008667, OMIM 193300. Disease mechanism: loss of function.
Chuvash polycythemia. Also called: POLYCYTHEMIA, VHL-DEPENDENT. Identifiers: Orphanet 238557, MedGen C1837915, MONDO:0009892, OMIM 263400.

Submissions (2):

Labcorp Genetics (formerly Invitae), Labcorp
Classification: Likely benign for Von Hippel-Lindau syndrome; Chuvash polycythemia. Last evaluated: 2025-12-21. Review status: criteria provided, single submitter. Criteria: Invitae Variant Classification Sherloc (09022015). Collection method: clinical testing. Allele origin: germline.

Myriad Genetics, Inc.
Classification: Likely benign for Von Hippel-Lindau syndrome. Last evaluated: 2025-06-12. Review status: criteria provided, single submitter. Criteria: Myriad Autosomal Dominant, Autosomal Recessive and X-Linked Classification Criteria (2023). Collection method: clinical testing. Allele origin: unknown.
Comment: This variant is considered likely benign. This variant is intronic and is not expected to impact mRNA splicing.

NM_000551.4(VHL):c.464-17G>C

Genes: VHL (von Hippel-Lindau tumor suppressor; plus strand), LOC107303340 (3p25 von Hippel-Lindau tumor suppressor, E3 ubiquitin protein ligase Alu-mediated recombination region; plus strand). Cytogenetic location: 3p25.3.
Variant type: single nucleotide variant.
Coding change: c.464-17G>C on transcript NM_000551.4 (MANE Select); 17 bases into the intron before coding-DNA position 464, G replaced by C.
Molecular consequence: intron variant.
Genome position (GRCh38, 1-based): chr3:10,149,770, G>C. VCF-style: chr3-10149770-G-C. GRCh37 (hg19) VCF-style: chr3-10191454-G-C.
Other names: c.*18-17G>C (NM_001354723.2); c.341-17G>C (NM_198156.3).
Identifiers: ClinVar variation 2163818 (VCV002163818.5), dbSNP rs2125130428, ClinGen allele CA2580068471.